The following is an entry in ClinVar:

NM_014491.4(FOXP2):c.522A>G (p.Gln174=)

Gene: FOXP2 (forkhead box P2; plus strand). Cytogenetic location: 7q31.1.
Variant type: single nucleotide variant.
Coding change: c.522A>G on transcript NM_014491.4 (MANE Select); coding-DNA position 522, A replaced by G.
Protein change: p.Gln174=; no amino-acid change (glutamine 174 retained).
Molecular consequence: synonymous variant. On other transcripts: non-coding transcript variant (2).
Genome position (GRCh38, 1-based): chr7:114,629,930, A>G. VCF-style: chr7-114629930-A-G. GRCh37 (hg19) VCF-style: chr7-114269985-A-G.
Other names: c.522A>G, p.Gln174= (NM_001172766.3, NM_148899.3); c.597A>G, p.Gln199= (NM_001172767.2, NM_148898.4); c.573A>G, p.Gln191= (NM_148900.4).
Identifiers: ClinVar variation 908849 (VCV000908849.5), dbSNP rs368614280, ClinGen allele CA4445835.

ClinVar aggregate classification (germline): Benign/Likely benign. Review status: criteria provided, multiple submitters, no conflicts (2 of 4 stars). 2 submissions from 2 submitters: Benign (1); Likely benign (1). Last evaluated 2024-10-11.

Conditions:
Childhood apraxia of speech (SPCH1). Also called: SPEECH AND LANGUAGE DISORDER WITH OROFACIAL DYSPRAXIA; DEVELOPMENTAL VERBAL DYSPRAXIA; Speech language disorder; FOXP2-Related Speech and Language Disorder. Identifiers: Orphanet 209908, MedGen C0750927, MONDO:0011184, OMIM 602081.

Allele frequency attached by ClinVar (database versions not stated): gnomAD 0.00001 and 0.00002; gnomAD exomes 0.00003 and 0.00006; ESP Exome Variant Server 0.00008; ExAC 0.00018.
gnomAD v4.1: 51 of 1,596,550 alleles (0.0032%); highest among the groups gnomAD compares: South Asian, 0.035%; no homozygotes.

Submissions (2):

Blueprint Genetics
Classification: Likely benign. Last evaluated: 2024-10-11. Review status: criteria provided, single submitter. Criteria: ACMG Guidelines, 2015. Collection method: clinical testing. Allele origin: germline.

Illumina Laboratory Services, Illumina
Classification: Benign for Childhood apraxia of speech. Last evaluated: 2018-01-12. Review status: criteria provided, single submitter. Criteria: ICSL Variant Classification Criteria 13 December 2019. Collection method: clinical testing. Allele origin: germline.
Comment: This variant was observed in the ICSL laboratory as part of a predisposition screen in an ostensibly healthy population. It had not been previously curated by ICSL or reported in the Human Gene Mutation Database (HGMD: prior to June 1st, 2018), and was therefore a candidate for classification through an automated scoring system. Utilizing variant allele frequency, disease prevalence and penetrance estimates, and inheritance mode, an automated score was calculated to assess if this variant is too frequent to cause the disease. Based on the score and internal cut-off values, a variant classified as benign is not then subjected to further curation. The score for this variant resulted in a classification of benign for this disease.